The following is an entry in ClinVar:

ClinVar aggregate classification (germline): Pathogenic/Likely pathogenic. Review status: criteria provided, multiple submitters, no conflicts (2 of 4 stars). 5 submissions from 5 submitters: Pathogenic (4); Likely pathogenic (1). Last evaluated 2025-10-27.

Conditions:
Familial ovarian cancer. Identifiers: MedGen C5679802, MONDO:0016248.
Fanconi anemia complementation group J. Also called: BRIP1-Related Fanconi Anemia. Identifiers: Orphanet 84, MedGen C1836860, MONDO:0012187, OMIM 609054.
Familial cancer of breast. Also called: hereditary breast carcinoma; BREAST CANCER, FAMILIAL; Hereditary breast cancer. Identifiers: Orphanet 227535, MedGen C0346153, MONDO:0016419, OMIM 114480. Disease mechanism: loss of function.
Hereditary cancer-predisposing syndrome. Also called: Tumor predisposition; Hereditary Cancer Syndrome; Hereditary neoplastic syndrome; Neoplastic Syndromes, Hereditary. Identifiers: Orphanet 140162, MedGen C0027672, MeSH D009386, MONDO:0015356.

Allele frequency attached by ClinVar (database versions not stated): ExAC 0.00001.

Submissions (5):

Labcorp Genetics (formerly Invitae), Labcorp
Classification: Pathogenic for Familial cancer of breast; Fanconi anemia complementation group J. Last evaluated: 2025-10-27. Review status: criteria provided, single submitter. Criteria: Invitae Variant Classification Sherloc (09022015). Collection method: clinical testing. Allele origin: germline.
Comment: This sequence change creates a premature translational stop signal (p.Trp592*) in the BRIP1 gene. It is expected to result in an absent or disrupted protein product. Loss-of-function variants in BRIP1 are known to be pathogenic (PMID: 16116423, 17033622, 21964575). This variant is not present in population databases (gnomAD no frequency). This premature translational stop signal has been observed in individual(s) with ovarian cancer (PMID: 29020732). ClinVar contains an entry for this variant (Variation ID: 234745). For these reasons, this variant has been classified as Pathogenic.

Ambry Genetics
Classification: Pathogenic for Hereditary cancer-predisposing syndrome. Last evaluated: 2023-06-12. Review status: criteria provided, single submitter. Criteria: Ambry Variant Classification Scheme 2023. Collection method: clinical testing. Allele origin: germline.
Comment: The p.W592* pathogenic mutation (also known as c.1776G>A), located in coding exon 11 of the BRIP1 gene, results from a G to A substitution at nucleotide position 1776. This changes the amino acid from a tryptophan to a stop codon within coding exon 11. In addition to the clinical data presented in the literature, this alteration is expected to result in loss of function by premature protein truncation or nonsense-mediated mRNA decay. As such, this alteration is interpreted as a disease-causing mutation.

Myriad Genetics, Inc.
Classification: Pathogenic for Familial cancer of breast. Last evaluated: 2023-06-05. Review status: criteria provided, single submitter. Criteria: Myriad Autosomal Dominant, Autosomal Recessive and X-Linked Classification Criteria (2023). Collection method: clinical testing. Allele origin: unknown.
Comment: This variant is considered pathogenic. This variant creates a termination codon and is predicted to result in premature protein truncation.

Department of Pathology and Laboratory Medicine, Sinai Health System
Classification: Pathogenic for familial ovarian cancer. Last evaluated: 2022-03-23. Review status: criteria provided, single submitter. Criteria: ACMG Guidelines, 2015. Collection method: clinical testing. Allele origin: germline. Affected: no.

GeneDx
Classification: Likely pathogenic. Last evaluated: 2016-10-14. Review status: criteria provided, single submitter. Criteria: GeneDx Variant Classification (06012015). Collection method: clinical testing. Allele origin: germline. Affected: yes.
Comment: This variant is denoted BRIP1 c.1776G>A at the cDNA level and p.Trp592Ter (W592X) at the protein level. The substitution creates a nonsense variant, which changes a Tryptophan to a premature stop codon (TGG>TGA), and is predicted to cause loss of normal protein function through either protein truncation or nonsense-mediated mRNA decay. Although this variant has not, to our knowledge, been reported in the literature, it is considered likely pathogenic.

Literature cited by the submitters: PubMed 16116423 (cited by Labcorp Genetics (formerly Invitae), Labcorp); PubMed 17033622 (cited by Labcorp Genetics (formerly Invitae), Labcorp); PubMed 21964575 (cited by Labcorp Genetics (formerly Invitae), Labcorp); PubMed 29020732 (cited by Labcorp Genetics (formerly Invitae), Labcorp and Ambry Genetics); PubMed 29922827 (cited by Ambry Genetics).

NM_032043.3(BRIP1):c.1776G>A (p.Trp592Ter)

Gene: BRIP1 (BRCA1 interacting DNA helicase 1; minus strand). Cytogenetic location: 17q23.2.
Variant type: single nucleotide variant.
Coding change: c.1776G>A on transcript NM_032043.3 (MANE Select); coding-DNA position 1776, G replaced by A.
Protein change: p.Trp592Ter; replaces tryptophan 592 with a stop codon.
Molecular consequence: nonsense.
Genome position (GRCh38, 1-based): chr17:61,780,858, C>T on the plus strand (G>A on the coding strand, the complement: BRIP1 is on the minus strand). VCF-style: chr17-61780858-C-T. GRCh37 (hg19) VCF-style: chr17-59858219-C-T.
Other names: short protein forms W592*.
Identifiers: ClinVar variation 234745 (VCV000234745.22), dbSNP rs753023295, ClinGen allele CA8690674.